The following is an entry in ClinVar:

ClinVar aggregate classification (germline): Likely pathogenic. Review status: criteria provided, multiple submitters, no conflicts (2 of 4 stars). 2 submissions from 2 submitters: Likely pathogenic (2). Last evaluated 2024-02-05.

Conditions:
Hereditary cancer-predisposing syndrome. Also called: Tumor predisposition; Hereditary Cancer Syndrome; Hereditary neoplastic syndrome; Neoplastic Syndromes, Hereditary. Identifiers: Orphanet 140162, MedGen C0027672, MeSH D009386, MONDO:0015356.

Submissions (2):

Labcorp Genetics (formerly Invitae), Labcorp
Classification: Likely pathogenic for Hereditary cancer-predisposing syndrome. Last evaluated: 2024-02-05. Review status: criteria provided, single submitter. Criteria: Invitae Variant Classification Sherloc (09022015). Collection method: clinical testing. Allele origin: germline.
Comment: This sequence change affects an acceptor splice site in intron 15 of the RAD50 gene. It is expected to disrupt RNA splicing. Variants that disrupt the donor or acceptor splice site typically lead to a loss of protein function (PMID: 16199547), and loss-of-function variants in RAD50 are known to be pathogenic (PMID: 19409520). This variant is not present in population databases (gnomAD no frequency). This variant has not been reported in the literature in individuals affected with RAD50-related conditions. ClinVar contains an entry for this variant (Variation ID: 1468383). Algorithms developed to predict the effect of sequence changes on RNA splicing suggest that this variant may disrupt the consensus splice site. In summary, the currently available evidence indicates that the variant is pathogenic, but additional data are needed to prove that conclusively. Therefore, this variant has been classified as Likely Pathogenic.

Ambry Genetics
Classification: Likely pathogenic for Hereditary cancer-predisposing syndrome. Last evaluated: 2023-03-13. Review status: criteria provided, single submitter. Criteria: Ambry Variant Classification Scheme 2023. Collection method: clinical testing. Allele origin: germline.
Comment: The c.2525-1G>T intronic variant results from a G to T substitution one nucleotide upstream from coding exon 16 of the RAD50 gene. Alterations that disrupt the canonical splice site are expected to cause aberrant splicing, resulting in an abnormal protein or a transcript that is subject to nonsense-mediated mRNA decay. This nucleotide position is highly conserved in available vertebrate species. In silico splice site analysis predicts that this alteration will weaken the native splice acceptor site and will result in the creation or strengthening of a novel splice acceptor site. RNA studies have demonstrated that this alteration results in abnormal splicing in the set of samples tested (Ambry internal data). As such, this alteration is classified as likely pathogenic.

Literature cited by the submitters: PubMed 16199547 (cited by Labcorp Genetics (formerly Invitae), Labcorp); PubMed 19409520 (cited by Labcorp Genetics (formerly Invitae), Labcorp).

NM_005732.4(RAD50):c.2525-1G>T

Gene: RAD50 (RAD50 double strand break repair protein; plus strand). Cytogenetic location: 5q31.1.
Variant type: single nucleotide variant.
Coding change: c.2525-1G>T on transcript NM_005732.4 (MANE Select); the canonical splice acceptor site of the intron before coding-DNA position 2525, G replaced by T.
Molecular consequence: splice acceptor variant.
Genome position (GRCh38, 1-based): chr5:132,604,805, G>T. VCF-style: chr5-132604805-G-T. GRCh37 (hg19) VCF-style: chr5-131940497-G-T.
Identifiers: ClinVar variation 1468383 (VCV001468383.7), dbSNP rs1015686770, ClinGen allele CA360956143.